The following is an entry in ClinVar:

ClinVar aggregate classification (germline): Likely pathogenic. Review status: reviewed by expert panel (3 of 4 stars). 3 submissions from 3 submitters: Likely pathogenic (1). 2 of the submissions do not count toward it. Last evaluated 2026-03-05.

Conditions:
RYR1-related disorder. Also called: RYR1-related condition; RYR1-related disorders. Identifiers: MedGen CN239331.
Malignant hyperthermia of anesthesia. Also called: Anesthesic-triggered malignant hyperthermia. Identifiers: Orphanet 423, MedGen C0024591, MONDO:0018493, HP:0034733.

Submissions (3):

ClinGen Malignant Hyperthermia Susceptibility Variant Curation Expert Panel, ClinGen
Classification: Likely pathogenic for Malignant hyperthermia of anesthesia. Last evaluated: 2026-03-05. Review status: reviewed by expert panel. Criteria: ClinGen MHS ACMG Specifications V2. Collection method: curation. Allele origin: germline. Inheritance: Autosomal dominant inheritance.
Comment: This pathogenicity assessment is relevant only for malignant hyperthermia susceptibility (MHS) inherited in an autosomal dominant pattern. Variants in RYR1 can also cause other myopathies inherited in an autosomal dominant pattern or in an autosomal recessive pattern. Some of these disorders may predispose individuals to malignant hyperthermia. RYR1 variants may also contribute to a malignant hyperthermia reaction in combination with other genetic and non-genetic factors and the clinician needs to consider such factors in making management decisions. This sequence variant predicts a substitution of valine with leucine at codon 4234 of the RYR1 protein, p.(Val4234Leu); c.12700G>T. This variant was not present in a large population database (gnomAD) at the time this variant was interpreted. This variant has been reported in three unrelated individuals who have a personal or family history of a malignant hyperthermia reaction, eight of these individuals had a positive in vitro contracture test (IVCT) or caffeine halothane contracture test (CHCT) result (if the proband was unavailable for testing, a positive diagnostic test result in a mutation-positive relative was counted), PS4_Moderate (PMID: 24013571, The UK (Leeds) MH Unit). This variant segregates with MHS in two families, four meioses, PP1_Supporting (PMID: 24013571). No functional studies were identified for this variant. This variant does not reside in a hotspot for pathogenic variants that contribute to MHS. A REVEL score >0.85 (0.89) supports a pathogenic status for this variant, PP3_Moderate. Another variant at this same nucleotide position, resulting in the same amino acid variation has been classified as pathogenic, PS1. This variant has been classified as Likely Pathogenic. Criteria implemented: PS1, PS4_Moderate, PP1_Supporting, PP3_Moderate.

GeneDx
Classification: Likely pathogenic. Last evaluated: 2024-03-27. Review status: criteria provided, single submitter. Criteria: GeneDx Variant Classification Process June 2021. Collection method: clinical testing. Allele origin: germline. Affected: yes. Not counted in ClinVar's aggregate classification.
Comment: In silico analysis supports that this missense variant does not alter protein structure/function; Not observed at significant frequency in large population cohorts (gnomAD); This variant is associated with the following publications: (PMID: 24013571, 19191333, 30236257)

Labcorp Genetics (formerly Invitae), Labcorp
Classification: Pathogenic for RYR1-related disorder. Last evaluated: 2024-02-02. Review status: criteria provided, single submitter. Criteria: Invitae Variant Classification Sherloc (09022015). Collection method: clinical testing. Allele origin: germline. Not counted in ClinVar's aggregate classification.
Comment: This sequence change replaces valine, which is neutral and non-polar, with leucine, which is neutral and non-polar, at codon 4234 of the RYR1 protein (p.Val4234Leu). This variant is not present in population databases (gnomAD no frequency). This missense change has been observed in individual(s) with autosomal dominant malignant hyperthermia susceptibility (PMID: 12208234, 21965348, 24013571, 30236257). It has also been observed to segregate with disease in related individuals. ClinVar contains an entry for this variant (Variation ID: 1071064). Advanced modeling of protein sequence and biophysical properties (such as structural, functional, and spatial information, amino acid conservation, physicochemical variation, residue mobility, and thermodynamic stability) has been performed at Invitae for this missense variant, however the output from this modeling did not meet the statistical confidence thresholds required to predict the impact of this variant on RYR1 protein function. For these reasons, this variant has been classified as Pathogenic.

Literature cited by the submitters: PubMed 12208234 (cited by Labcorp Genetics (formerly Invitae), Labcorp); PubMed 21965348 (cited by Labcorp Genetics (formerly Invitae), Labcorp); PubMed 24013571 (cited by Labcorp Genetics (formerly Invitae), Labcorp); PubMed 30236257 (cited by Labcorp Genetics (formerly Invitae), Labcorp).

NM_000540.3(RYR1):c.12700G>T (p.Val4234Leu)

Gene: RYR1 (ryanodine receptor 1; plus strand). Cytogenetic location: 19q13.2.
Variant type: single nucleotide variant.
Coding change: c.12700G>T on transcript NM_000540.3 (MANE Select); coding-DNA position 12700, G replaced by T.
Protein change: p.Val4234Leu; replaces valine 4234 with leucine.
Molecular consequence: missense variant.
Genome position (GRCh38, 1-based): chr19:38,565,034, G>T. VCF-style: chr19-38565034-G-T. GRCh37 (hg19) VCF-style: chr19-39055674-G-T.
Other names: NM_000540.2(RYR1):c.12700G>T; p.Val4234Leu; c.12685G>T, p.Val4229Leu (NM_001042723.2); c.12700G>T (NM_000540.2); short protein forms V4229L, V4234L.
Identifiers: ClinVar variation 1071064 (VCV001071064.13), dbSNP rs193922852, ClinGen allele CA405670953.